The following is an entry in ClinVar:

NM_000553.6(WRN):c.1595C>T (p.Pro532Leu)

Gene: WRN (WRN RecQ like helicase; plus strand). Cytogenetic location: 8p12.
Variant type: single nucleotide variant.
Coding change: c.1595C>T on transcript NM_000553.6 (MANE Select); coding-DNA position 1595, C replaced by T.
Protein change: p.Pro532Leu; replaces proline 532 with leucine.
Molecular consequence: missense variant.
Genome position (GRCh38, 1-based): chr8:31,088,908, C>T. VCF-style: chr8-31088908-C-T. GRCh37 (hg19) VCF-style: chr8-30946424-C-T.
Other names: short protein forms P532L.
Identifiers: ClinVar variation 2718512 (VCV002718512.3), dbSNP rs2535927099, ClinGen allele CA370926131.

ClinVar aggregate classification (germline): Uncertain significance (1 of 4 stars; one submission).

Conditions:
Werner syndrome (WRN). Identifiers: Orphanet 902, MedGen C0043119, MONDO:0010196, OMIM 277700.

Submission:

Labcorp Genetics (formerly Invitae), Labcorp
Classification: Uncertain significance for Werner syndrome. Last evaluated: 2025-07-07. Review status: criteria provided, single submitter. Criteria: Invitae Variant Classification Sherloc (09022015). Collection method: clinical testing. Allele origin: germline.
Comment: This sequence change replaces proline, which is neutral and non-polar, with leucine, which is neutral and non-polar, at codon 532 of the WRN protein (p.Pro532Leu). This variant is not present in population databases (gnomAD no frequency). This variant has not been reported in the literature in individuals affected with WRN-related conditions. ClinVar contains an entry for this variant (Variation ID: 2718512). An algorithm developed to predict the effect of missense changes on protein structure and function (PolyPhen-2) suggests that this variant is likely to be disruptive. In summary, the available evidence is currently insufficient to determine the role of this variant in disease. Therefore, it has been classified as a Variant of Uncertain Significance.